The following is an entry in ClinVar:

ClinVar aggregate classification (germline): Likely benign (1 of 4 stars; one submission).

Submission:

CeGaT Center for Human Genetics Tuebingen
Classification: Likely benign. Last evaluated: 2025-08-01. Review status: criteria provided, single submitter. Criteria: CeGaT Center For Human Genetics Tuebingen Variant Classification Criteria Version 2. Collection method: clinical testing. Allele origin: germline. Affected: yes. Observed: 1 variant allele.
Comment: PHOX2B: PM2:Supporting, BP4, BP7

NM_003924.4(PHOX2B):c.538A>C (p.Arg180=)

Gene: PHOX2B (paired like homeobox 2B; minus strand). Cytogenetic location: 4p13.
Variant type: single nucleotide variant.
Coding change: c.538A>C on transcript NM_003924.4 (MANE Select); coding-DNA position 538, A replaced by C.
Protein change: p.Arg180=; no amino-acid change (arginine 180 retained).
Molecular consequence: synonymous variant.
Genome position (GRCh38, 1-based): chr4:41,746,214, T>G on the plus strand (A>C on the coding strand, the complement: PHOX2B is on the minus strand). VCF-style: chr4-41746214-T-G. GRCh37 (hg19) VCF-style: chr4-41748231-T-G.
Identifiers: ClinVar variation 4083932 (VCV004083932.8).